The following is an entry in ClinVar:

NM_006031.6(PCNT):c.3028del (p.Thr1010fs)

Gene: PCNT (pericentrin; plus strand). Cytogenetic location: 21q22.3.
Variant type: Deletion.
Coding change: c.3028del on transcript NM_006031.6 (MANE Select); coding-DNA position 3028, one base deleted (A; older notation c.3028delA).
Protein change: p.Thr1010fs; shifts the reading frame from threonine 1010.
Molecular consequence: frameshift variant.
Genome position (GRCh38, 1-based): chr21:46,367,002, A deleted; the last of 3 consecutive A bases (chr21:46,367,000-46,367,002); deleting any one gives the same sequence. VCF-style (leftmost placement, unchanged base first): chr21-46366999-CA-C. GRCh37 (hg19) VCF-style: chr21-47786914-CA-C.
Other names: c.2674del, p.Thr892fs (NM_001315529.2); short protein forms T892fs, T1010fs.
Identifiers: ClinVar variation 2799423 (VCV002799423.3), dbSNP rs2518263880, ClinGen allele CA2577633570.
Genomic context (GRCh38, chr21:46,366,999, plus strand): 5'-GCCCTAGAGCTCTTACGAGCAGACTTTGAGGAACAACTGTGGAAAAAGGACTCTCTTCAC[CA>C]AACGATTTTGACTCAAGAGTTGGAGAAACTGAAGCGGAAACACGAAGGGGAGCTACAGTC-3'

ClinVar aggregate classification (germline): Pathogenic (1 of 4 stars; one submission).

Submission:

Labcorp Genetics (formerly Invitae), Labcorp
Classification: Pathogenic. Last evaluated: 2023-05-09. Review status: criteria provided, single submitter. Criteria: Invitae Variant Classification Sherloc (09022015). Collection method: clinical testing. Allele origin: germline.
Comment: This sequence change creates a premature translational stop signal (p.Thr1010Argfs*3) in the PCNT gene. It is expected to result in an absent or disrupted protein product. Loss-of-function variants in PCNT are known to be pathogenic (PMID: 18174396, 22821869). This variant is not present in population databases (gnomAD no frequency). This variant has not been reported in the literature in individuals affected with PCNT-related conditions. For these reasons, this variant has been classified as Pathogenic.

Literature cited by the submitters: PubMed 18174396; PubMed 22821869.